The following is an entry in ClinVar:

NM_001673.5(ASNS):c.1281_1294del (p.Tyr428fs)

Genes: ASNS (asparagine synthetase (glutamine-hydrolyzing); minus strand), CZ1P-ASNS (CZ1P-ASNS readthrough; minus strand). Cytogenetic location: 7q21.3.
Variant type: Deletion.
Coding change: c.1281_1294del on transcript NM_001673.5 (MANE Select); coding-DNA positions 1281 to 1294, 14 bases deleted (CTATTACTTGTCTC).
Protein change: p.Tyr428fs; shifts the reading frame from tyrosine 428.
Molecular consequence: frameshift variant. On other transcripts: non-coding transcript variant (1).
Genome position (GRCh38, 1-based): chr7:97,853,331-97,853,344, GAGACAAGTAATAG deleted on the plus strand (CTATTACTTGTCTC on the coding strand, the reverse complement: ASNS is on the minus strand); deleting any 14 consecutive bases within chr7:97,853,331-97,853,346 gives the same sequence; the c. name uses the placement nearest the transcript's 3' end. VCF-style (leftmost placement, unchanged base first): chr7-97853330-AGAGACAAGTAATAG-A. GRCh37 (hg19) VCF-style: chr7-97482642-AGAGACAAGTAATAG-A.
Other names: c.1281_1294del, p.Tyr428fs (NM_001352496.2, NM_133436.3, NM_183356.4); c.1218_1231del, p.Tyr407fs (NM_001178075.2); c.1032_1045del, p.Tyr345fs (NM_001178076.2, NM_001178077.1); short protein forms Y428fs, Y345fs, Y407fs.
Identifiers: ClinVar variation 1394432 (VCV001394432.6), dbSNP rs2115593984, ClinGen allele CA2573142475.

ClinVar aggregate classification (germline): Pathogenic (1 of 4 stars; one submission).

Submission:

Labcorp Genetics (formerly Invitae), Labcorp
Classification: Pathogenic. Last evaluated: 2021-09-11. Review status: criteria provided, single submitter. Criteria: Invitae Variant Classification Sherloc (09022015). Collection method: clinical testing. Allele origin: germline.
Comment: This sequence change creates a premature translational stop signal (p.Tyr428Alafs*21) in the ASNS gene. It is expected to result in an absent or disrupted protein product. Loss-of-function variants in ASNS are known to be pathogenic (PMID: 27422383, 30057589). For these reasons, this variant has been classified as Pathogenic. This variant has not been reported in the literature in individuals affected with ASNS-related conditions. This variant is not present in population databases (ExAC no frequency).

Literature cited by the submitters: PubMed 27422383; PubMed 30057589.